The following is an entry in ClinVar:

NM_000059.4(BRCA2):c.7989A>G (p.Glu2663=)

Gene: BRCA2 (BRCA2 DNA repair associated; plus strand). Cytogenetic location: 13q13.1.
Variant type: single nucleotide variant.
Coding change: c.7989A>G on transcript NM_000059.4 (MANE Select); coding-DNA position 7989, A replaced by G.
Protein change: p.Glu2663=; no amino-acid change (glutamic acid 2663 retained).
Molecular consequence: synonymous variant.
Genome position (GRCh38, 1-based): chr13:32,363,191, A>G. VCF-style: chr13-32363191-A-G. GRCh37 (hg19) VCF-style: chr13-32937328-A-G.
Identifiers: ClinVar variation 184201 (VCV000184201.5), dbSNP rs786201332, ClinGen allele CA025386.
Genomic context (GRCh38, chr13:32,363,191, plus strand): 5'-TTCTAGAGTCACACTTCCTAAAATATGCATTTTTGTTTTCACTTTTAGATATGATACGGA[A>G]ATTGATAGAAGCAGAAGATCGGCTATAAAAAAGATAATGGAAAGGGATGACACAGCTGCA-3'
Protein context (NP_000050.3, residues 2653-2673): LLQLKYRYDT[Glu2663=]IDRSRRSAIK

ClinVar aggregate classification (germline): Likely benign. Review status: reviewed by expert panel (3 of 4 stars). 2 submissions from 2 submitters: Likely benign (1). 1 of the submissions does not count toward it. Last evaluated 2017-06-29.

Conditions:
Hereditary cancer-predisposing syndrome. Also called: Tumor predisposition; Hereditary Cancer Syndrome; Hereditary neoplastic syndrome; Neoplastic Syndromes, Hereditary. Identifiers: Orphanet 140162, MedGen C0027672, MeSH D009386, MONDO:0015356.
Breast-ovarian cancer, familial, susceptibility to, 2 (BROVCA2). Also called: BRCA2 Hereditary Breast and Ovarian Cancer. Identifiers: Orphanet 145, MedGen C2675520, MONDO:0012933, OMIM 612555. Disease mechanism: loss of function.

Submissions (2):

Evidence-based Network for the Interpretation of Germline Mutant Alleles (ENIGMA)
Classification: Likely benign for Breast-ovarian cancer, familial, susceptibility to, 2. Last evaluated: 2017-06-29. Review status: reviewed by expert panel. Criteria: ENIGMA BRCA1/2 Classification Criteria (2017-06-29). Collection method: curation. Allele origin: germline.
Comment: Synonymous substitution variant, with low bioinformatic likelihood to result in a splicing aberration (Splicing prior probability 0.02).

Ambry Genetics
Classification: Likely benign for Hereditary cancer-predisposing syndrome. Last evaluated: 2014-01-24. Review status: criteria provided, single submitter. Criteria: Ambry Autosomal Dominant and X-Linked criteria (10/2015). Collection method: clinical testing. Allele origin: germline. Observed: 1 variant allele. Not counted in ClinVar's aggregate classification.